The following is an entry in ClinVar:

ClinVar aggregate classification (germline): Uncertain significance (1 of 4 stars; one submission).

Conditions:
Hereditary diffuse gastric adenocarcinoma (HDGC). Also called: DIFFUSE GASTRIC AND LOBULAR BREAST CANCER SYNDROME. Identifiers: Orphanet 26106, MedGen C1708349, MONDO:0007648, OMIM 137215.

Allele frequency attached by ClinVar (database versions not stated): TOPMed below 0.00001; gnomAD 0.00001.
gnomAD v4.1: 1 of 1,614,078 alleles (0.000062%); highest among the groups gnomAD compares: Admixed American, 0.0017%; no homozygotes.

Submission:

Labcorp Genetics (formerly Invitae), Labcorp
Classification: Uncertain significance for Hereditary diffuse gastric adenocarcinoma. Last evaluated: 2022-02-08. Review status: criteria provided, single submitter. Criteria: Invitae Variant Classification Sherloc (09022015). Collection method: clinical testing. Allele origin: germline.
Comment: In summary, the available evidence is currently insufficient to determine the role of this variant in disease. Therefore, it has been classified as a Variant of Uncertain Significance. Algorithms developed to predict the effect of missense changes on protein structure and function (SIFT, PolyPhen-2, Align-GVGD) all suggest that this variant is likely to be tolerated. This variant has not been reported in the literature in individuals affected with CDH1-related conditions. This variant is not present in population databases (gnomAD no frequency). This sequence change replaces alanine, which is neutral and non-polar, with glycine, which is neutral and non-polar, at codon 483 of the CDH1 protein (p.Ala483Gly).

NM_004360.5(CDH1):c.1448C>G (p.Ala483Gly)

Gene: CDH1 (cadherin 1; plus strand). Cytogenetic location: 16q22.1.
Variant type: single nucleotide variant.
Coding change: c.1448C>G on transcript NM_004360.5 (MANE Select); coding-DNA position 1448, C replaced by G.
Protein change: p.Ala483Gly; replaces alanine 483 with glycine.
Molecular consequence: missense variant. On other transcripts: 5 prime UTR variant (2).
Genome position (GRCh38, 1-based): chr16:68,815,642, C>G. VCF-style: chr16-68815642-C-G. GRCh37 (hg19) VCF-style: chr16-68849545-C-G.
Other names: c.1265C>G, p.Ala422Gly (NM_001317184.2); c.-101C>G (NM_001317185.2); c.-372C>G (NM_001317186.2); short protein forms A422G, A483G.
Identifiers: ClinVar variation 2095097 (VCV002095097.4), dbSNP rs1960964468, ClinGen allele CA396463061.